The following is an entry in ClinVar:

NM_000543.5(SMPD1):c.921del (p.Lys307fs)

Gene: SMPD1 (sphingomyelin phosphodiesterase 1; plus strand). Cytogenetic location: 11p15.4.
Variant type: Deletion.
Coding change: c.921del on transcript NM_000543.5 (MANE Select); coding-DNA position 921, one base deleted (G; older notation c.921delG).
Protein change: p.Lys307fs; shifts the reading frame from lysine 307.
Molecular consequence: frameshift variant. On other transcripts: 5 prime UTR variant (1), non-coding transcript variant (1).
Genome position (GRCh38, 1-based): chr11:6,391,986, G deleted. VCF-style (leftmost placement, unchanged base first): chr11-6391985-AG-A. GRCh37 (hg19) VCF-style: chr11-6413215-AG-A.
Other names: c.918del, p.Lys306fs (NM_001007593.3); c.921del, p.Lys307fs (NM_001318087.2, NM_001365135.2); c.-41del (NM_001318088.2); short protein forms K306fs, K307fs.
Identifiers: ClinVar variation 2954153 (VCV002954153.3), dbSNP rs2493807508, ClinGen allele CA2740093604.
Genomic context (GRCh38, chr11:6,391,985, plus strand): 5'-GGCACCAGACTCGTCAGGACCAACTGCGGGCCCTGACCACCGTCACAGCACTTGTGAGGA[AG>A]TTCCTGGGGCCAGTGCCAGTGTACCCTGCTGTGGGTAACCATGAAAGCACACCTGTCAAT-3'

ClinVar aggregate classification (germline): Pathogenic (1 of 4 stars; one submission).

Conditions:
Niemann-Pick disease, type B. Also called: Chronic Visceral ASMD (Niemann-Pick Disease Type B; NPD-B). Identifiers: Orphanet 77293, MedGen C0268243, MONDO:0011871, OMIM 607616. Disease mechanism: loss of function.
Niemann-Pick disease, type A. Also called: SPHINGOMYELIN LIPIDOSIS; SPHINGOMYELINASE DEFICIENCY; Infantile Neurovisceral ASMD (Niemann-Pick Disease Type A; NPD-A). Identifiers: Orphanet 77292, MedGen C0268242, MONDO:0009756, OMIM 257200. Disease mechanism: loss of function.

Submission:

Labcorp Genetics (formerly Invitae), Labcorp
Classification: Pathogenic for Niemann-Pick disease, type B; Niemann-Pick disease, type A. Last evaluated: 2023-11-24. Review status: criteria provided, single submitter. Criteria: Invitae Variant Classification Sherloc (09022015). Collection method: clinical testing. Allele origin: germline.
Comment: This sequence change creates a premature translational stop signal (p.Lys307Asnfs*78) in the SMPD1 gene. It is expected to result in an absent or disrupted protein product. Loss-of-function variants in SMPD1 are known to be pathogenic (PMID: 12369017, 15221801). This variant is not present in population databases (gnomAD no frequency). This variant has not been reported in the literature in individuals affected with SMPD1-related conditions. For these reasons, this variant has been classified as Pathogenic.

Literature cited by the submitters: PubMed 12369017; PubMed 15221801.